The following is an entry in ClinVar:

ClinVar aggregate classification (germline): Conflicting classifications of pathogenicity. Review status: criteria provided, conflicting classifications (1 of 4 stars). 2 submissions from 2 submitters: Uncertain significance (1); Likely benign (1). Last evaluated 2024-11-11.

Conditions:
Renal cell carcinoma. Identifiers: Orphanet 217071, MedGen C0007134, MeSH D002292, MONDO:0005086, HP:0005584.
Hereditary cancer-predisposing syndrome. Also called: Tumor predisposition; Hereditary neoplastic syndrome; Neoplastic Syndromes, Hereditary; Hereditary Cancer Syndrome. Identifiers: Orphanet 140162, MedGen C0027672, MeSH D009386, MONDO:0015356.

Allele frequency attached by ClinVar (database versions not stated): gnomAD 0.00001; gnomAD exomes 0.00001 and 0.00003; TOPMed 0.00001; ExAC 0.00003; ESP Exome Variant Server 0.00008.

Submissions (2):

Labcorp Genetics (formerly Invitae), Labcorp
Classification: Uncertain significance for Renal cell carcinoma. Last evaluated: 2024-11-11. Review status: criteria provided, single submitter. Criteria: Invitae Variant Classification Sherloc (09022015). Collection method: clinical testing. Allele origin: germline.
Comment: This sequence change replaces histidine, which is basic and polar, with arginine, which is basic and polar, at codon 798 of the MET protein (p.His798Arg). This variant is present in population databases (rs375523121, gnomAD 0.02%). This variant has not been reported in the literature in individuals affected with MET-related conditions. ClinVar contains an entry for this variant (Variation ID: 845607). Invitae Evidence Modeling of protein sequence and biophysical properties (such as structural, functional, and spatial information, amino acid conservation, physicochemical variation, residue mobility, and thermodynamic stability) indicates that this missense variant is not expected to disrupt MET protein function with a negative predictive value of 80%. In summary, the available evidence is currently insufficient to determine the role of this variant in disease. Therefore, it has been classified as a Variant of Uncertain Significance.

Ambry Genetics
Classification: Likely benign for Hereditary cancer-predisposing syndrome. Last evaluated: 2023-04-25. Review status: criteria provided, single submitter. Criteria: Ambry Variant Classification Scheme 2023. Collection method: clinical testing. Allele origin: germline.

NM_000245.4(MET):c.2339A>G (p.His780Arg)

Gene: MET (MET proto-oncogene, receptor tyrosine kinase; plus strand). Cytogenetic location: 7q31.2.
Variant type: single nucleotide variant.
Coding change: c.2339A>G on transcript NM_000245.4 (MANE Select); coding-DNA position 2339, A replaced by G.
Protein change: p.His780Arg; replaces histidine 780 with arginine.
Molecular consequence: missense variant.
Genome position (GRCh38, 1-based): chr7:116,759,465, A>G. VCF-style: chr7-116759465-A-G. GRCh37 (hg19) VCF-style: chr7-116399519-A-G.
Other names: c.2393A>G, p.His798Arg (NM_001127500.3); c.2339A>G, p.His780Arg (NM_001324401.3); c.1049A>G, p.His350Arg (NM_001324402.2); short protein forms H798R, H350R, H780R.
Identifiers: ClinVar variation 845607 (VCV000845607.9), dbSNP rs375523121, ClinGen allele CA4448455.